The following is an entry in ClinVar:

NM_000551.4(VHL):c.463+3A>G

Genes: VHL (von Hippel-Lindau tumor suppressor; plus strand), LOC107303340 (3p25 von Hippel-Lindau tumor suppressor, E3 ubiquitin protein ligase Alu-mediated recombination region; plus strand). Cytogenetic location: 3p25.3.
Variant type: single nucleotide variant.
Coding change: c.463+3A>G on transcript NM_000551.4 (MANE Select); 3 bases into the intron after coding-DNA position 463, A replaced by G.
Molecular consequence: intron variant.
Genome position (GRCh38, 1-based): chr3:10,146,639, A>G. VCF-style: chr3-10146639-A-G. GRCh37 (hg19) VCF-style: chr3-10188323-A-G.
Other names: c.*18-3148A>G (NM_001354723.2); c.341-3148A>G (NM_198156.3).
Identifiers: ClinVar variation 428796 (VCV000428796.11), dbSNP rs1131690954, ClinGen allele CA645369331.

ClinVar aggregate classification (germline): Conflicting classifications of pathogenicity. Review status: criteria provided, conflicting classifications (1 of 4 stars). 7 submissions from 7 submitters: Pathogenic (1); Likely pathogenic (1); Uncertain significance (3). 2 of the submissions do not count toward it. Last evaluated 2024-03-07.

Conditions:
Von Hippel-Lindau syndrome (VHLS). Also called: von Hippel–Lindau syndrome; Von Hippel-Lindau; VHL syndrome. Identifiers: Orphanet 892, MedGen C0019562, MONDO:0008667, OMIM 193300. Disease mechanism: loss of function.
Chuvash polycythemia. Also called: POLYCYTHEMIA, VHL-DEPENDENT. Identifiers: Orphanet 238557, MedGen C1837915, MONDO:0009892, OMIM 263400.
Hereditary cancer-predisposing syndrome. Also called: Hereditary neoplastic syndrome; Tumor predisposition; Neoplastic Syndromes, Hereditary; Hereditary Cancer Syndrome. Identifiers: Orphanet 140162, MedGen C0027672, MeSH D009386, MONDO:0015356.
Pheochromocytoma. Also called: MAX-Related Hereditary Paraganglioma-Pheochromocytoma Syndrome. Identifiers: Orphanet 29072, MedGen C0031511, MONDO:0008233, OMIM 171300, HP:0002666.

Submissions (7):

Labcorp Genetics (formerly Invitae), Labcorp
Classification: Uncertain significance for Von Hippel-Lindau syndrome; Chuvash polycythemia. Last evaluated: 2024-03-07. Review status: criteria provided, single submitter. Criteria: Invitae Variant Classification Sherloc (09022015). Collection method: clinical testing. Allele origin: germline.
Comment: This sequence change falls in intron 2 of the VHL gene. It does not directly change the encoded amino acid sequence of the VHL protein. It affects a nucleotide within the consensus splice site. This variant is not present in population databases (gnomAD no frequency). This variant has been observed in individuals with von Hippel-Lindau syndrome (PMID: 22145147, 22438210; Invitae). This variant is also known as IVS2+3A>G. ClinVar contains an entry for this variant (Variation ID: 428796). Variants that disrupt the consensus splice site are a relatively common cause of aberrant splicing (PMID: 17576681, 9536098). Algorithms developed to predict the effect of sequence changes on RNA splicing suggest that this variant may disrupt the consensus splice site. In summary, the available evidence is currently insufficient to determine the role of this variant in disease. Therefore, it has been classified as a Variant of Uncertain Significance.

Myriad Genetics, Inc.
Classification: Likely pathogenic for Von Hippel-Lindau syndrome. Last evaluated: 2023-03-10. Review status: criteria provided, single submitter. Criteria: Myriad Autosomal Dominant, Autosomal Recessive and X-Linked Classification Criteria (2023). Collection method: clinical testing. Allele origin: unknown.
Comment: This variant is considered likely pathogenic. This variant has been reported in multiple individuals with clinical features of gene-specific disease [PMID: 22145147, 22438210]. mRNA analysis has demonstrated abnormal mRNA splicing occurs [Myriad internal data].

3billion
Classification: Uncertain significance for Pheochromocytoma. Last evaluated: 2022-01-03. Review status: criteria provided, single submitter. Criteria: ACMG Guidelines, 2015. Collection method: clinical testing. Allele origin: germline. Affected: yes. Observed: 1 heterozygote.
Comment: The variant has been reported to be associated with VHL related disorder (ClinVar ID: VCV000428796).It is not observed in the gnomAD v2.1.1 dataset (PM2_M). Therefore, this variant is classified as uncertain significance according to the recommendation of ACMG/AMP guideline.

Ambry Genetics
Classification: Pathogenic for Hereditary cancer-predisposing syndrome. Last evaluated: 2019-04-04. Review status: criteria provided, single submitter. Criteria: Ambry Variant Classification Scheme 2023. Collection method: clinical testing. Allele origin: germline.
Comment: The c.463+3A>G intronic pathogenic mutation results from an A to G substitution 3 nucleotides after coding exon 2 in the VHL gene. Her family history included CNS tumors, hemangioblastomas, and adrenal tumors (Boaz RJ et al. Indian J. Endocrinol. Metab. 2011 Oct;15 Suppl 4:S402-5; Ebenazer A et al. Fam. Cancer. 2013 Sep;12(3):519-24). Based on the supporting evidence, this alteration is interpreted as a disease-causing mutation.

Women's Health and Genetics/Laboratory Corporation of America, LabCorp
Classification: Uncertain significance. Last evaluated: 2016-04-12. Review status: criteria provided, single submitter. Criteria: LabCorp Variant Classification Summary - May 2015. Collection method: clinical testing. Allele origin: germline.
Comment: Variant summary: The variant of interest is located at a conserved intronic position with 3/5 in silico programs via Alamut predicting an effect on splicing, although these predictions have yet to be functionally assessed. The variant of interest was not observed in controls (ExAC, 1000 Gs or ESP) and has been reported in affected individuals via publications. However, no reputable databases and/or clinical laboratories cite the variant. Although, another variant at this position, c.463+3A>T has been reported in affected individuals via publications. Therefore, taking all lines of evidence into consideration, the variant of interest is classified as VUS-possibly pathogenic until additional information becomes available.

Clinical Genetics DNA and cytogenetics Diagnostics Lab, Erasmus MC, Erasmus Medical Center
Classification: Pathogenic. Review status: no assertion criteria provided. Collection method: clinical testing. Allele origin: germline. Affected: yes. Study: VKGL Data-share Consensus. Not counted in ClinVar's aggregate classification.

Genome Diagnostics Laboratory, University Medical Center Utrecht
Classification: Pathogenic. Review status: no assertion criteria provided. Collection method: clinical testing. Allele origin: germline. Affected: yes. Study: VKGL Data-share Consensus. Not counted in ClinVar's aggregate classification.

Literature cited by the submitters: PubMed 22145147 (cited by 4 submitters); PubMed 22438210 (cited by 3 submitters); PubMed 17576681 (cited by Labcorp Genetics (formerly Invitae), Labcorp); PubMed 9536098 (cited by Labcorp Genetics (formerly Invitae), Labcorp); PubMed 23397066 (cited by Ambry Genetics); PubMed 24977658 (cited by Ambry Genetics and Women's Health and Genetics/Laboratory Corporation of America, LabCorp); PubMed 26323595 (cited by Ambry Genetics).